The following is an entry in ClinVar:

ClinVar aggregate classification (germline): Conflicting classifications of pathogenicity. Review status: criteria provided, conflicting classifications (1 of 4 stars). 5 submissions from 5 submitters: Uncertain significance (3); Likely benign (2). Last evaluated 2025-12-23.

Conditions:
Charcot-Marie-Tooth disease type 4B3. Also called: Charcot-Marie-Tooth Neuropathy Type 4B3; CHARCOT-MARIE-TOOTH DISEASE, DEMYELINATING, TYPE 4B3. Identifiers: Orphanet 363981, MedGen C3695063, MONDO:0014117, OMIM 615284.

Allele frequency attached by ClinVar (database versions not stated): gnomAD exomes 0.00013 and 0.00027; ExAC 0.00032; 1000 Genomes Project 30x 0.00078; ESP Exome Variant Server 0.00093; 1000 Genomes Project 0.00100; gnomAD 0.00117 and 0.00122; TOPMed 0.00122.
gnomAD v4.1: 386 of 1,614,122 alleles (0.024%); highest among the groups gnomAD compares: African/African-American, 0.37%; 1 homozygote.

Submissions (5):

Labcorp Genetics (formerly Invitae), Labcorp
Classification: Likely benign. Last evaluated: 2025-12-23. Review status: criteria provided, single submitter. Criteria: Invitae Variant Classification Sherloc (09022015). Collection method: clinical testing. Allele origin: germline.

Ambry Genetics
Classification: Uncertain significance. Last evaluated: 2025-08-03. Review status: criteria provided, single submitter. Criteria: Ambry Variant Classification Scheme 2023. Collection method: clinical testing. Allele origin: germline.

Women's Health and Genetics/Laboratory Corporation of America, LabCorp
Classification: Likely benign. Last evaluated: 2025-07-21. Review status: criteria provided, single submitter. Criteria: LabCorp Variant Classification Summary - May 2015. Collection method: clinical testing. Allele origin: germline.
Comment: Variant summary: SBF1 c.2255C>T (p.Thr752Met) results in a non-conservative amino acid change in the encoded protein sequence. Algorithms developed to predict the effect of missense changes on protein structure and function are either unavailable or do not agree on the potential impact of this missense change. The variant allele was found at a frequency of 0.00027 in 249464 control chromosomes, predominantly at a frequency of 0.0032 within the African or African-American subpopulation in the gnomAD database. The observed variant frequency within African or African-American control individuals in the gnomAD database is approximately 2.86 fold of the estimated maximal expected allele frequency for a pathogenic variant in SBF1 causing Charcot-Marie-Tooth disease type 4B3 phenotype (0.0011). To our knowledge, no occurrence of c.2255C>T in individuals affected with Charcot-Marie-Tooth disease type 4B3 and no experimental evidence demonstrating its impact on protein function have been reported. ClinVar contains an entry for this variant (Variation ID: 729707). Based on the evidence outlined above, the variant was classified as likely benign.

Mayo Clinic Laboratories, Mayo Clinic
Classification: Uncertain significance. Last evaluated: 2024-12-06. Review status: criteria provided, single submitter. Criteria: ACMG Guidelines, 2015. Collection method: clinical testing. Allele origin: germline. Observed: 3 variant alleles.
Comment: BP4

ARUP Laboratories, Molecular Genetics and Genomics, ARUP Laboratories
Classification: Uncertain significance for Charcot-Marie-Tooth disease type 4B3. Last evaluated: 2021-09-27. Review status: criteria provided, single submitter. Criteria: ARUP Molecular Germline Variant Investigation Process 2021. Collection method: clinical testing. Allele origin: germline.
Comment: The SBF1 c.2255C>T; p.Thr752Met variant (rs188976869), to our knowledge, is not reported in the medical literature; however, this variant is listed in the ClinVar database (Variation ID: 729707). This variant is found in the African population with an overall allele frequency of 0.33% (80/24200 alleles) in the Genome Aggregation Database. The threonine at codon 752 is highly conserved, but computational analyses are uncertain whether this variant is neutral or deleterious (REVEL: 0.196). Based on the available information, the clinical significance of this variant is uncertain.

NM_002972.4(SBF1):c.2255C>T (p.Thr752Met)

Gene: SBF1 (SET binding factor 1; minus strand). Cytogenetic location: 22q13.33.
Variant type: single nucleotide variant.
Coding change: c.2255C>T on transcript NM_002972.4 (MANE Select); coding-DNA position 2255, C replaced by T.
Protein change: p.Thr752Met; replaces threonine 752 with methionine.
Molecular consequence: missense variant.
Genome position (GRCh38, 1-based): chr22:50,462,346, G>A on the plus strand (C>T on the coding strand, the complement: SBF1 is on the minus strand). VCF-style: chr22-50462346-G-A. GRCh37 (hg19) VCF-style: chr22-50900775-G-A.
Other names: p.Thr752Met; c.2255C>T (NM_002972.2); c.2258C>T, p.Thr753Met (NM_001365819.1); short protein forms T752M, T753M.
Identifiers: ClinVar variation 729707 (VCV000729707.21), dbSNP rs188976869, ClinGen allele CA10317293.
Genomic context (GRCh38, chr22:50,462,346, plus strand): 5'-TCCAGGGGCAGGAGGAGGTAGCTCATGCGGTTGGCATAGTGGATGGCCTGGCTGAACACC[G>A]TGCTCTCCTCCTTCTGCACCAGCTCCTGCTGCTTCTCACGACTCAGAGTTGGCCACAAGC-3'
Protein context (NP_002963.2, residues 742-762): QQELVQKEES[Thr752Met]VFSQAIHYAN